The following is an entry in ClinVar:

ClinVar aggregate classification (germline): Uncertain significance (1 of 4 stars; one submission).

Conditions:
Lymphatic malformation 6 (LMPHM6). Also called: GENERALIZED LYMPHATIC DYSPLASIA OF FOTIOU; Lymphedema, hereditary, III; PIEZO1-related generalized lymphatic dysplasia with non-immune hydrops fetalis. Identifiers: Orphanet 568062, MedGen C4225184, MONDO:0014797, OMIM 616843.

Submission:

Clinical Genomics Laboratory, Washington University in St. Louis
Classification: Uncertain significance for Lymphatic malformation 6. Last evaluated: 2025-07-25. Review status: criteria provided, single submitter. Criteria: ACMG Guidelines, 2015. Collection method: clinical testing. Allele origin: germline.
Comment: A PIEZO1 c.7558A>T (p.Lys2520*) variant was identified at a near heterozygous allelic fraction of 48.7%, a frequency which may be consistent with it being of germline origin. This variant, to our knowledge, has not been reported in the medical literature and is only observed on 1/1,549,598 alleles in the general population (gnomAD v4.1.0), indicating it is not a common variant. This nonsense variant introduces a stop codon into the last exon of the gene, a change predicted to result in a truncated protein missing the last two amino acids. The impact of this change on the gene product function is not known. Due to limited information, and based on ACMG/AMP guidelines for variant interpretation (Richards S et al., PMID: 25741868), the clinical significance of this variant is uncertain at this time.

NM_001142864.4(PIEZO1):c.7558A>T (p.Lys2520Ter)

Gene: PIEZO1 (piezo type mechanosensitive ion channel component 1 (Er blood group); minus strand). Cytogenetic location: 16q24.3.
Variant type: single nucleotide variant.
Coding change: c.7558A>T on transcript NM_001142864.4 (MANE Select); coding-DNA position 7558, A replaced by T.
Protein change: p.Lys2520Ter; replaces lysine 2520 with a stop codon.
Molecular consequence: nonsense.
Genome position (GRCh38, 1-based): chr16:88,715,613, T>A on the plus strand (A>T on the coding strand, the complement: PIEZO1 is on the minus strand). VCF-style: chr16-88715613-T-A. GRCh37 (hg19) VCF-style: chr16-88782021-T-A.
Other names: short protein forms K2520*.
Identifiers: ClinVar variation 4279871 (VCV004279871.1).
Genomic context (GRCh38, chr16:88,715,613, plus strand): 5'-CCACGCTGCCCAGCAGGCCGGCTCCTTCCCTCTCGGGCGCCAGCAGCAGCTCCTACTCCT[T>A]CTCACGAGTCCACTTGATCATGGTCTCCGGTGAGCGGTAGAGGAAGATGAGCTTGGCGTA-3'